The following is an entry in ClinVar:

NM_000243.3(MEFV):c.277G>C (p.Glu93Gln)

Gene: MEFV (MEFV innate immunity regulator, pyrin; minus strand). Cytogenetic location: 16p13.3.
Variant type: single nucleotide variant.
Coding change: c.277G>C on transcript NM_000243.3 (MANE Select); coding-DNA position 277, G replaced by C.
Protein change: p.Glu93Gln; replaces glutamic acid 93 with glutamine.
Molecular consequence: missense variant.
Genome position (GRCh38, 1-based): chr16:3,256,311, C>G on the plus strand (G>C on the coding strand, the complement: MEFV is on the minus strand). VCF-style: chr16-3256311-C-G. GRCh37 (hg19) VCF-style: chr16-3306311-C-G.
Other names: p.Glu93Gln; c.277G>C, p.Gly93Arg (NM_001198536.2); short protein forms E93Q, G93R.
Identifiers: ClinVar variation 319118 (VCV000319118.28), dbSNP rs138498376, ClinGen allele CA7860489.

ClinVar aggregate classification (germline): Conflicting classifications of pathogenicity. Review status: criteria provided, conflicting classifications (1 of 4 stars). 8 submissions from 6 submitters: Uncertain significance (5); Likely benign (2). 1 of the submissions does not count toward it. Last evaluated 2023-02-08.

Conditions:
Familial Mediterranean fever (FMF). Also called: Periodic peritonitis; Benign paroxysmal peritonitis; POLYSEROSITIS, FAMILIAL PAROXYSMAL; POLYSEROSITIS, RECURRENT. Identifiers: Orphanet 342, MedGen C0031069, MONDO:0018088, OMIM 249100. Disease mechanism: gain of function.
Acute febrile neutrophilic dermatosis (AFND). Also called: Sweet Syndrome; Gomm Button disease. Identifiers: Orphanet 3243, MedGen C0085077, MONDO:0011959, OMIM 608068.
Familial Mediterranean fever, autosomal dominant. Also called: Dominant Familial Mediterranean Fever; FMF, AUTOSOMAL DOMINANT. Identifiers: Orphanet 342, MedGen C1851347, MONDO:0007601, OMIM 134610.

Allele frequency attached by ClinVar (database versions not stated): gnomAD 0.00004 and 0.00003; ExAC 0.00004; ESP Exome Variant Server 0.00008; gnomAD exomes 0.00004 and 0.00006; TOPMed 0.00005.
gnomAD v4.1: 93 of 1,613,474 alleles (0.0058%); highest among the groups gnomAD compares: Non-Finnish European, 0.0072%; no homozygotes.

Submissions (8):

Genome-Nilou Lab
Classification: Uncertain significance for Familial Mediterranean fever. Last evaluated: 2023-02-08. Review status: criteria provided, single submitter. Criteria: ACMG Guidelines, 2015. Collection method: clinical testing. Allele origin: germline.

Genome-Nilou Lab
Classification: Likely benign for Familial Mediterranean fever, autosomal dominant. Last evaluated: 2023-02-08. Review status: criteria provided, single submitter. Criteria: ACMG Guidelines, 2015. Collection method: clinical testing. Allele origin: germline.

Genome-Nilou Lab
Classification: Likely benign for Acute febrile neutrophilic dermatosis. Last evaluated: 2023-02-08. Review status: criteria provided, single submitter. Criteria: ACMG Guidelines, 2015. Collection method: clinical testing. Allele origin: germline.

Labcorp Genetics (formerly Invitae), Labcorp
Classification: Uncertain significance for Familial Mediterranean fever. Last evaluated: 2022-10-13. Review status: criteria provided, single submitter. Criteria: Invitae Variant Classification Sherloc (09022015). Collection method: clinical testing. Allele origin: germline.
Comment: This sequence change replaces glutamic acid, which is acidic and polar, with glutamine, which is neutral and polar, at codon 93 of the MEFV protein (p.Glu93Gln). This variant also falls at the last nucleotide of exon 1, which is part of the consensus splice site for this exon. This variant is present in population databases (rs138498376, gnomAD 0.007%). This variant has not been reported in the literature in individuals affected with MEFV-related conditions. ClinVar contains an entry for this variant (Variation ID: 319118). Algorithms developed to predict the effect of missense changes on protein structure and function (SIFT, PolyPhen-2, Align-GVGD) all suggest that this variant is likely to be tolerated. Variants that disrupt the consensus splice site are a relatively common cause of aberrant splicing (PMID: 17576681, 9536098). In summary, the available evidence is currently insufficient to determine the role of this variant in disease. Therefore, it has been classified as a Variant of Uncertain Significance.

Mayo Clinic Laboratories, Mayo Clinic
Classification: Uncertain significance. Last evaluated: 2022-07-26. Review status: criteria provided, single submitter. Criteria: ACMG Guidelines, 2015. Collection method: clinical testing. Allele origin: germline. Observed: 1 variant allele.

ARUP Laboratories, Molecular Genetics and Genomics, ARUP Laboratories
Classification: Uncertain significance. Last evaluated: 2019-08-09. Review status: criteria provided, single submitter. Criteria: ARUP Molecular Germline Variant Investigation Process. Collection method: clinical testing. Allele origin: germline.
Comment: The MEFV c.277G>C; p.Glu93Gln variant (rs138498376) has been reported in the medical literature as a variant of uncertain significance without any additional information provided (Martorana 2017). The variant is reported in the ClinVar database (Variation ID: 319118) and in the general population with an allele frequency of 0.004% (11/247,682 alleles) in the Genome Aggregation Database. The amino acid at this position is highly conserved, and computational analyses (SIFT, PolyPhen-2) predict that this variant is deleterious. However, this variant also occurs in the last nucleotide of the exon, a position that is conserved and computational analyses (Alamut v.2.11) predict that this variant may impact splicing by weakening the canonical donor splice site. Due to limited information, the clinical significance of the variant is uncertain at this time. References: Martorana D et al. Monogenic Autoinflammatory Diseases with Mendelian Inheritance: Genes, Mutations, and Genotype/Phenotype Correlations. Front Immunol. 2017 Apr 3;8:344.

Illumina Laboratory Services, Illumina
Classification: Uncertain significance for Familial Mediterranean fever. Last evaluated: 2018-01-13. Review status: criteria provided, single submitter. Criteria: ICSL Variant Classification Criteria 13 December 2019. Collection method: clinical testing. Allele origin: germline.

Natera, Inc.
Classification: Uncertain significance for Familial Mediterranean fever. Last evaluated: 2019-10-28. Review status: no assertion criteria provided. Collection method: clinical testing. Allele origin: germline. Not counted in ClinVar's aggregate classification.

Literature cited by the submitters: PubMed 17576681 (cited by Labcorp Genetics (formerly Invitae), Labcorp); PubMed 9536098 (cited by Labcorp Genetics (formerly Invitae), Labcorp).